The following is an entry in ClinVar:

NM_145290.4(ADGRA3):c.89GCG[10] (p.Gly32_Gly35dup)

Gene: ADGRA3 (adhesion G protein-coupled receptor A3; minus strand). Cytogenetic location: 4p15.2.
Variant type: Microsatellite.
Coding change: c.89GCG[10] on transcript NM_145290.4 (MANE Select); ten copies in a row of the 3-base unit GCG starting at c.89; the reference has six copies in a row; four copies, 12 bases duplicated.
Protein change: p.Gly32_Gly35dup.
Molecular consequence: inframe insertion.
Genome position (GRCh38, 1-based): chr4:22,515,679-22,515,690, CGCCGCCGCCGC duplicated on the plus strand (GCGGCGGCGGCG on the coding strand, the reverse complement: ADGRA3 is on the minus strand); duplicating any 12 consecutive bases within chr4:22,515,679-22,515,697 gives the same sequence; the position shown is the placement nearest the transcript's 3' end. VCF-style (leftmost placement, unchanged base first): chr4-22515678-G-GCGCCGCCGCCGC. GRCh37 (hg19) VCF-style: chr4-22517301-G-GCGCCGCCGCCGC.
Identifiers: ClinVar variation 1521562 (VCV001521562.8), dbSNP rs769005255, ClinGen allele CA1444015978.

ClinVar aggregate classification (germline): Uncertain significance (1 of 4 stars; one submission).

Submission:

Labcorp Genetics (formerly Invitae), Labcorp
Classification: Uncertain significance. Last evaluated: 2022-11-04. Review status: criteria provided, single submitter. Criteria: Invitae Variant Classification Sherloc (09022015). Collection method: clinical testing. Allele origin: germline.
Comment: In summary, the available evidence is currently insufficient to determine the role of this variant in disease. Therefore, it has been classified as a Variant of Uncertain Significance. Experimental studies and prediction algorithms are not available or were not evaluated, and the functional significance of this variant is currently unknown. This variant has not been reported in the literature in individuals affected with ADGRA3-related conditions. The frequency data for this variant in the population databases is considered unreliable, as metrics indicate insufficient coverage at this position in the gnomAD database. This variant, c.95_106dup, results in the insertion of 4 amino acid(s) of the ADGRA3 protein (p.Gly32_Gly35dup), but otherwise preserves the integrity of the reading frame.